The following is an entry in ClinVar:

NM_001148.6(ANK2):c.3019C>T (p.Arg1007Ter)

Gene: ANK2 (ankyrin 2; plus strand). Cytogenetic location: 4q26.
Variant type: single nucleotide variant.
Coding change: c.3019C>T on transcript NM_001148.6 (MANE Select); coding-DNA position 3019, C replaced by T.
Protein change: p.Arg1007Ter; replaces arginine 1007 with a stop codon.
Molecular consequence: nonsense.
Genome position (GRCh38, 1-based): chr4:113,330,364, C>T. VCF-style: chr4-113330364-C-T. GRCh37 (hg19) VCF-style: chr4-114251520-C-T.
Other names: c.2992C>T, p.Arg998Ter (NM_001127493.3); c.3031C>T, p.Arg1011Ter (NM_001354225.2); c.3019C>T, p.Arg1007Ter (NM_001354228.2, NM_001354258.2, NM_020977.5); c.3097C>T, p.Arg1033Ter (NM_001354230.2, NM_001354237.2); c.3061C>T, p.Arg1021Ter (NM_001354231.2, NM_001354242.2); c.3055C>T, p.Arg1019Ter (NM_001354232.2); c.3016C>T, p.Arg1006Ter (NM_001354235.2, NM_001354236.2, NM_001354246.2 and 1 more transcripts); c.2989C>T, p.Arg997Ter (NM_001354239.2, NM_001354252.2, NM_001354272.2); and 23 more; short protein forms R1002*, R1006*, R1007*, R1011*, R1019*, R1021*, R1022*, R1026*.
Identifiers: ClinVar variation 985758 (VCV000985758.6), dbSNP rs2092061253, ClinGen allele CA357935141.

ClinVar aggregate classification (germline): Pathogenic/Likely pathogenic. Review status: criteria provided, multiple submitters, no conflicts (2 of 4 stars). 4 submissions from 4 submitters: Pathogenic (3); Likely pathogenic (1). Last evaluated 2026-06-04.

Conditions:
Cardiac arrhythmia, ankyrin-B-related. Also called: ANKYRIN-B SYNDROME. Identifiers: Orphanet 101016, Orphanet 768, MedGen C1970119, MONDO:0010958, OMIM 600919.
ANK2-related disorder. Also called: ANK2-related condition.
Inborn genetic diseases. Identifiers: MedGen C0950123, MeSH D030342.

Submissions (4):

PreventionGenetics, part of Exact Sciences
Classification: Pathogenic for ANK2-related condition. Last evaluated: 2026-06-04. Review status: criteria provided, single submitter. Criteria: ACMG Guidelines, 2015. Collection method: clinical testing. Allele origin: germline.
Comment: The ANK2 c.3019C>T variant is predicted to result in premature protein termination (p.Arg1007*). This variant has been reported to occur de novo in an individual with a neurodevelopmental disorder and infantile epilepsy (Teunissen et al. 2023. PubMed ID: 37195288). This variant has not been reported in a large population database (gnomAD), indicating this variant is rare. Nonsense variants in ANK2 are expected to be pathogenic for autism spectrum disorder and epilepsy phenotypes (Iossifov et al. 2012. PubMed ID: 22542183; Willsey et al. 2013. PubMed ID: 24267886; Iossifov et al. 2014. PubMed ID: 25363768; Teunissen et al. 2023. PubMed ID: 37195288). This variant is interpreted as pathogenic.

GeneDx
Classification: Pathogenic. Last evaluated: 2024-09-26. Review status: criteria provided, single submitter. Criteria: GeneDx Variant Classification Process June 2021. Collection method: clinical testing. Allele origin: germline. Affected: yes.
Comment: Nonsense variant predicted to result in protein truncation or nonsense mediated decay in a gene for which loss of function is a known mechanism of disease; Not observed at significant frequency in large population cohorts (gnomAD); This variant is associated with the following publications: (PMID: 37195288)

MGZ Medical Genetics Center
Classification: Likely pathogenic for Cardiac arrhythmia, ankyrin-B-related. Last evaluated: 2022-01-25. Review status: criteria provided, single submitter. Criteria: ACMG Guidelines, 2015. Collection method: clinical testing. Allele origin: germline. Affected: yes. Observed: 1 variant allele.
Comment: ACMG criteria applied: PVS1, PM2_SUP

Ambry Genetics
Classification: Pathogenic for Inborn genetic diseases. Last evaluated: 2017-11-17. Review status: criteria provided, single submitter. Criteria: Ambry exome assertion method (8-5-2015). Collection method: clinical testing. Allele origin: germline. Affected: yes. Observed: 1 variant allele.